The following is an entry in ClinVar:

ClinVar aggregate classification (germline): Pathogenic (1 of 4 stars; one submission).

Submission:

ISCA site 4
Classification: Pathogenic. Last evaluated: 2011-08-12. Review status: criteria provided, single submitter. Criteria: Kaminsky et al. (Genet Med. 2011). Collection method: clinical testing. Allele origin: unknown. Affected: yes. Observed: 1 variant allele.
Comment: Copy number variation identified through the course of routine clinical cytogenomic testing in postnatal populations. Clinical assertions have been curated as described in Kaminsky et al. 2011.

GRCh38/hg38 4q13.2-13.3(chr4:66842408-70831557)x1

Genes: AMBN (ameloblastin; plus strand), AMTN (amelotin; plus strand), CABS1 (calcium binding protein, spermatid associated 1; plus strand), CENPC (centromere protein C; minus strand), CSN1S1 (casein alpha s1; plus strand) and 76 more. Cytogenetic location: 4q13.2-13.3.
Variant type: copy number loss.
Change: copy number 1 (one copy instead of two) of chr4:66,842,408-70,831,557 (3.99 Mb, GRCh38 coordinates, 1-based), cytogenetic band 4q13.2-13.3.
Identifiers: ClinVar variation 57091 (VCV000057091.1).